The following is an entry in ClinVar:

NM_002109.6(HARS1):c.391C>T (p.Leu131Phe)

Gene: HARS1 (histidyl-tRNA synthetase 1; minus strand). Cytogenetic location: 5q31.3.
Variant type: single nucleotide variant.
Coding change: c.391C>T on transcript NM_002109.6 (MANE Select); coding-DNA position 391, C replaced by T.
Protein change: p.Leu131Phe; replaces leucine 131 with phenylalanine.
Molecular consequence: missense variant. On other transcripts: intron variant (2).
Genome position (GRCh38, 1-based): chr5:140,679,793, G>A on the plus strand (C>T on the coding strand, the complement: HARS1 is on the minus strand). VCF-style: chr5-140679793-G-A. GRCh37 (hg19) VCF-style: chr5-140059378-G-A.
Other names: c.271C>T, p.Leu91Phe (NM_001258040.3, NM_001258042.3); c.391C>T, p.Leu131Phe (NM_001258041.3); c.304C>T, p.Leu102Phe (NM_001289094.2); c.181-1778C>T (NM_001289093.2); c.301-1778C>T (NM_001289092.2); short protein forms L102F, L131F, L91F.
Identifiers: ClinVar variation 2801895 (VCV002801895.3), dbSNP rs2481271404, ClinGen allele CA361257597.

ClinVar aggregate classification (germline): Uncertain significance (1 of 4 stars; one submission).

Conditions:
Usher syndrome type 3B. Also called: USHER SYNDROME, TYPE IIIB. Identifiers: MedGen C3281066, MONDO:0013788, OMIM 614504.

gnomAD v4.1: 1 of 1,567,714 alleles (0.000064%); highest among the groups gnomAD compares: Admixed American, 0.0017%; no homozygotes.

Submission:

Labcorp Genetics (formerly Invitae), Labcorp
Classification: Uncertain significance for Usher syndrome type 3B. Last evaluated: 2022-12-15. Review status: criteria provided, single submitter. Criteria: Invitae Variant Classification Sherloc (09022015). Collection method: clinical testing. Allele origin: germline.
Comment: Advanced modeling of protein sequence and biophysical properties (such as structural, functional, and spatial information, amino acid conservation, physicochemical variation, residue mobility, and thermodynamic stability) has been performed at Invitae for this missense variant, however the output from this modeling did not meet the statistical confidence thresholds required to predict the impact of this variant on HARS protein function. In summary, the available evidence is currently insufficient to determine the role of this variant in disease. Therefore, it has been classified as a Variant of Uncertain Significance. This variant has not been reported in the literature in individuals affected with HARS-related conditions. This variant is not present in population databases (gnomAD no frequency). This sequence change replaces leucine, which is neutral and non-polar, with phenylalanine, which is neutral and non-polar, at codon 131 of the HARS protein (p.Leu131Phe).